The following is an entry in ClinVar:

NM_016247.4(IMPG2):c.3159_3160del (p.Leu1053_Cys1054insTer)

Gene: IMPG2 (interphotoreceptor matrix proteoglycan 2; minus strand). Cytogenetic location: 3q12.3.
Variant type: Microsatellite.
Coding change: c.3159_3160del on transcript NM_016247.4 (MANE Select); coding-DNA positions 3159 to 3160, 2 bases deleted (CT; older notation c.3159_3160delCT).
Protein change: p.Leu1053_Cys1054insTer.
Molecular consequence: frameshift variant.
Genome position (GRCh38, 1-based): chr3:101,232,854-101,232,855, AG deleted on the plus strand (CT on the coding strand, the reverse complement: IMPG2 is on the minus strand); deleting any 2 consecutive bases within chr3:101,232,854-101,232,858 gives the same sequence; the c. name uses the placement nearest the transcript's 3' end. VCF-style (leftmost placement, unchanged base first): chr3-101232853-CAG-C. GRCh37 (hg19) VCF-style: chr3-100951697-CAG-C.
Identifiers: ClinVar variation 1075431 (VCV001075431.9), dbSNP rs2107207948, ClinGen allele CA2580616507.
Genomic context (GRCh38, chr3:101,232,853, plus strand): 5'-CCGTGCCCAGGCATAATGTCACACTTTCCATCATTCAAGCAGAAGTCAGGCTGTAGGTCA[CAG>C]AGACTCTGACAGGGCCGTTCTTCCACACTCAGGTATCCAGGGAAGCATCTGCACTTTGCT-3'

ClinVar aggregate classification (germline): Pathogenic. Review status: criteria provided, multiple submitters, no conflicts (2 of 4 stars). 2 submissions from 2 submitters: Pathogenic (2). Last evaluated 2024-12-23.

Conditions:
IMPG2-related disorders.

Submissions (2):

Labcorp Genetics (formerly Invitae), Labcorp
Classification: Pathogenic. Last evaluated: 2024-12-23. Review status: criteria provided, single submitter. Criteria: Invitae Variant Classification Sherloc (09022015). Collection method: clinical testing. Allele origin: germline.
Comment: This sequence change creates a premature translational stop signal (p.Cys1054*) in the IMPG2 gene. It is expected to result in an absent or disrupted protein product. Loss-of-function variants in IMPG2 are known to be pathogenic (PMID: 20673862). This variant is not present in population databases (gnomAD no frequency). This variant has not been reported in the literature in individuals affected with IMPG2-related conditions. For these reasons, this variant has been classified as Pathogenic.

Blueprint Genetics
Classification: Pathogenic for IMPG2-related disorders. Last evaluated: 2022-11-25. Review status: criteria provided, single submitter. Criteria: ACMG Guidelines, 2015. Collection method: clinical testing. Allele origin: germline. Affected: yes. Observed: 3 variant alleles.

Literature cited by the submitters: PubMed 20673862 (cited by Labcorp Genetics (formerly Invitae), Labcorp).